The following is an entry in ClinVar:

ClinVar aggregate classification (germline): Uncertain significance. Review status: criteria provided, multiple submitters, no conflicts (2 of 4 stars). 2 submissions from 2 submitters: Uncertain significance (2). Last evaluated 2025-12-06.

Conditions:
Congenital myasthenic syndrome 4A. Also called: MYASTHENIC SYNDROME, CONGENITAL, 4A, SLOW-CHANNEL, AUTOSOMAL RECESSIVE; Myasthenic syndrome, congenital, 4a, slow-channel; CONGENITAL MYASTHENIC SYNDROME TYPE Ia1. Identifiers: Orphanet 590, MedGen C4225413, MONDO:0011600, OMIM 605809.

Allele frequency attached by ClinVar (database versions not stated): gnomAD 0.00001.

Submissions (2):

Labcorp Genetics (formerly Invitae), Labcorp
Classification: Uncertain significance for Congenital myasthenic syndrome 4A. Last evaluated: 2025-12-06. Review status: criteria provided, single submitter. Criteria: Invitae Variant Classification Sherloc (09022015). Collection method: clinical testing. Allele origin: germline.
Comment: This sequence change replaces arginine, which is basic and polar, with cysteine, which is neutral and slightly polar, at codon 343 of the CHRNE protein (p.Arg343Cys). The frequency data for this variant in the population databases is considered unreliable, as metrics indicate poor data quality at this position in the gnomAD database. This variant has not been reported in the literature in individuals affected with CHRNE-related conditions. ClinVar contains an entry for this variant (Variation ID: 1405372). Invitae Evidence Modeling of protein sequence and biophysical properties (such as structural, functional, and spatial information, amino acid conservation, physicochemical variation, residue mobility, and thermodynamic stability) has been performed for this missense variant. However, the output from this modeling did not meet the statistical confidence thresholds required to predict the impact of this variant on CHRNE protein function. In summary, the available evidence is currently insufficient to determine the role of this variant in disease. Therefore, it has been classified as a Variant of Uncertain Significance.

Revvity Omics, Revvity
Classification: Uncertain significance. Last evaluated: 2024-09-19. Review status: criteria provided, single submitter. Criteria: ACMG Guidelines, 2015. Collection method: clinical testing. Allele origin: germline.

NM_000080.4(CHRNE):c.1027C>T (p.Arg343Cys)

Gene: CHRNE (cholinergic receptor nicotinic epsilon subunit; minus strand). Cytogenetic location: 17p13.2.
Variant type: single nucleotide variant.
Coding change: c.1027C>T on transcript NM_000080.4 (MANE Select); coding-DNA position 1027, C replaced by T.
Protein change: p.Arg343Cys; replaces arginine 343 with cysteine.
Molecular consequence: missense variant.
Genome position (GRCh38, 1-based): chr17:4,899,473, G>A on the plus strand (C>T on the coding strand, the complement: CHRNE is on the minus strand). VCF-style: chr17-4899473-G-A. GRCh37 (hg19) VCF-style: chr17-4802768-G-A.
Other names: short protein forms R343C.
Identifiers: ClinVar variation 1405372 (VCV001405372.7), dbSNP rs1422523453, ClinGen allele CA397300781.